The following is an entry in ClinVar:

NM_001042492.3(NF1):c.4804G>A (p.Gly1602Arg)

Gene: NF1 (neurofibromin 1; plus strand). Cytogenetic location: 17q11.2.
Variant type: single nucleotide variant.
Coding change: c.4804G>A on transcript NM_001042492.3 (MANE Select); coding-DNA position 4804, G replaced by A.
Protein change: p.Gly1602Arg; replaces glycine 1602 with arginine.
Molecular consequence: missense variant.
Genome position (GRCh38, 1-based): chr17:31,265,308, G>A. VCF-style: chr17-31265308-G-A. GRCh37 (hg19) VCF-style: chr17-29592326-G-A.
Other names: c.4741G>A, p.Gly1581Arg (NM_000267.4); short protein forms G1581R, G1602R.
Identifiers: ClinVar variation 237570 (VCV000237570.22), dbSNP rs878853898, ClinGen allele CA10583507.

ClinVar aggregate classification (germline): Conflicting classifications of pathogenicity. Review status: criteria provided, conflicting classifications (1 of 4 stars). 7 submissions from 7 submitters: Uncertain significance (5); Likely benign (1). 1 of the submissions does not count toward it. Last evaluated 2026-03-18.

Conditions:
NF1-related disorder. Also called: NF1-related condition. Identifiers: MedGen CN379171.
Hereditary cancer-predisposing syndrome. Also called: Neoplastic Syndromes, Hereditary; Hereditary Cancer Syndrome; Tumor predisposition; Hereditary neoplastic syndrome. Identifiers: Orphanet 140162, MedGen C0027672, MeSH D009386, MONDO:0015356.
Cardiovascular phenotype. Identifiers: MedGen CN230736.
Neurofibromatosis, type 1 (NF1). Also called: NEUROFIBROMATOSIS, TYPE I, SOMATIC; Neurofibromatosis, type I; VON RECKLINGHAUSEN DISEASE; Peripheral type neurofibromatosis. Identifiers: Orphanet 636, MedGen C0027831, MONDO:0018975, OMIM 162200. Disease mechanism: loss of function.
Juvenile myelomonocytic leukemia (JMML). Also called: LEUKEMIA, JUVENILE MYELOMONOCYTIC, SOMATIC. Identifiers: Orphanet 86834, MedGen C0349639, MONDO:0011908, OMIM 607785, HP:0012209.

Allele frequency attached by ClinVar (database versions not stated): TOPMed below 0.00001; gnomAD exomes below 0.00001.
gnomAD v4.1: 1 of 1,612,954 alleles (0.000062%); highest among the groups gnomAD compares: Non-Finnish European, 0.000085%; no homozygotes.

Submissions (7):

Ambry Genetics
Classification: Uncertain significance for Cardiovascular phenotype; Hereditary cancer-predisposing syndrome. Last evaluated: 2026-03-18. Review status: criteria provided, single submitter. Criteria: Ambry Variant Classification Scheme 2023. Collection method: clinical testing. Allele origin: germline.
Comment: The p.G1581R variant (also known as c.4741G>A), located in coding exon 35 of the NF1 gene, results from a G to A substitution at nucleotide position 4741. The glycine at codon 1581 is replaced by arginine, an amino acid with dissimilar properties. This amino acid position is highly conserved in available vertebrate species. In addition, this alteration is predicted to be deleterious by in silico analysis. Based on the available evidence, the clinical significance of this variant remains unclear.

Labcorp Genetics (formerly Invitae), Labcorp
Classification: Likely benign for Neurofibromatosis, type 1. Last evaluated: 2025-10-14. Review status: criteria provided, single submitter. Criteria: Invitae Variant Classification Sherloc (09022015). Collection method: clinical testing. Allele origin: germline.

Quest Diagnostics Nichols Institute San Juan Capistrano
Classification: Uncertain significance. Last evaluated: 2025-07-10. Review status: criteria provided, single submitter. Criteria: Quest Diagnostics criteria. Collection method: clinical testing. Allele origin: unknown.

Baylor Genetics
Classification: Uncertain significance for Juvenile myelomonocytic leukemia. Last evaluated: 2023-07-19. Review status: criteria provided, single submitter. Criteria: ACMG Guidelines, 2015. Collection method: clinical testing. Allele origin: unknown.

GeneDx
Classification: Uncertain significance. Last evaluated: 2023-03-28. Review status: criteria provided, single submitter. Criteria: GeneDx Variant Classification Process June 2021. Collection method: clinical testing. Allele origin: germline. Affected: yes.
Comment: Not observed in large population cohorts (gnomAD); In silico analysis supports that this missense variant has a deleterious effect on protein structure/function; Has not been previously published as pathogenic or benign to our knowledge

Genome-Nilou Lab
Classification: Uncertain significance for Neurofibromatosis, type 1. Last evaluated: 2022-03-15. Review status: criteria provided, single submitter. Criteria: ACMG Guidelines, 2015. Collection method: clinical testing. Allele origin: germline. Affected: no.

PreventionGenetics, part of Exact Sciences
Classification: Uncertain significance for NF1-related condition. Last evaluated: 2024-07-01. Review status: no assertion criteria provided. Collection method: clinical testing. Allele origin: germline. Not counted in ClinVar's aggregate classification.
Comment: The NF1 c.4804G>A variant is predicted to result in the amino acid substitution p.Gly1602Arg. To our knowledge, this variant has not been reported in the literature or in gnomAD, indicating this variant is rare. This variant is interpreted as uncertain in ClinVar. At this time, the clinical significance of this variant is uncertain due to the absence of conclusive functional and genetic evidence.